The following is an entry in ClinVar:

NM_001256715.2(DNAAF3):c.900C>T (p.Gly300=)

Genes: DNAAF3 (dynein axonemal assembly factor 3; minus strand), DNAAF3-AS1 (DNAAF3 antisense RNA 1; plus strand). Cytogenetic location: 19q13.42.
Variant type: single nucleotide variant.
Coding change: c.900C>T on transcript NM_001256715.2 (MANE Select); coding-DNA position 900, C replaced by T.
Protein change: p.Gly300=; no amino-acid change (glycine 300 retained).
Molecular consequence: synonymous variant.
Genome position (GRCh38, 1-based): chr19:55,161,077, G>A on the plus strand (C>T on the coding strand, the complement: DNAAF3 is on the minus strand). VCF-style: chr19-55161077-G-A. GRCh37 (hg19) VCF-style: chr19-55672445-G-A.
Other names: c.738C>T, p.Gly246= (NM_001256716.2); c.1041C>T, p.Gly347= (NM_178837.4); c.1104C>T, p.Gly368= (NM_001256714.1).
Identifiers: ClinVar variation 454611 (VCV000454611.14), dbSNP rs369275731, ClinGen allele CA9668027.

ClinVar aggregate classification (germline): Likely benign. Review status: criteria provided, multiple submitters, no conflicts (2 of 4 stars). 3 submissions from 3 submitters: Likely benign (2). 1 of the submissions does not count toward it. Last evaluated 2026-01-28.

Conditions:
DNAAF3-related disorder. Also called: DNAAF3-related condition.
Primary ciliary dyskinesia. Also called: Ciliary dyskinesia. Identifiers: Orphanet 244, MedGen C0008780, MONDO:0016575, HP:0012265.

Allele frequency attached by ClinVar (database versions not stated): gnomAD exomes 0.00005 and 0.00010; ExAC 0.00028; 1000 Genomes Project 30x 0.00031; ESP Exome Variant Server 0.00039; TOPMed 0.00049; gnomAD 0.00051 and 0.00053.
gnomAD v4.1: 140 of 1,542,088 alleles (0.0091%); highest among the groups gnomAD compares: African/African-American, 0.18%; no homozygotes.

Submissions (3):

Labcorp Genetics (formerly Invitae), Labcorp
Classification: Likely benign for Primary ciliary dyskinesia. Last evaluated: 2026-01-28. Review status: criteria provided, single submitter. Criteria: Invitae Variant Classification Sherloc (09022015). Collection method: clinical testing. Allele origin: germline.

Breakthrough Genomics
Classification: Likely benign. Review status: criteria provided, single submitter. Criteria: ACMG Guidelines, 2015. Collection method: not provided. Allele origin: germline. Inheritance: Autosomal recessive inheritance. Affected: yes.

PreventionGenetics, part of Exact Sciences
Classification: Likely benign for DNAAF3-related condition. Last evaluated: 2024-02-16. Review status: no assertion criteria provided. Collection method: clinical testing. Allele origin: germline. Not counted in ClinVar's aggregate classification.
Comment: This variant is classified as likely benign based on ACMG/AMP sequence variant interpretation guidelines (Richards et al. 2015 PMID: 25741868, with internal and published modifications).